The following is an entry in ClinVar:

NM_030665.4(RAI1):c.481G>A (p.Gly161Ser)

Gene: RAI1 (retinoic acid induced 1; plus strand). Cytogenetic location: 17p11.2.
Variant type: single nucleotide variant.
Coding change: c.481G>A on transcript NM_030665.4 (MANE Select); coding-DNA position 481, G replaced by A.
Protein change: p.Gly161Ser; replaces glycine 161 with serine.
Molecular consequence: missense variant.
Genome position (GRCh38, 1-based): chr17:17,793,429, G>A. VCF-style: chr17-17793429-G-A. GRCh37 (hg19) VCF-style: chr17-17696743-G-A.
Other names: short protein forms G161S.
Identifiers: ClinVar variation 1721132 (VCV001721132.5), dbSNP rs150247802, ClinGen allele CA288367069.

ClinVar aggregate classification (germline): Uncertain significance (1 of 4 stars; one submission).

Allele frequency attached by ClinVar (database versions not stated): gnomAD exomes below 0.00001; TOPMed below 0.00001; gnomAD 0.00001; ESP Exome Variant Server 0.00008.
gnomAD v4.1: 4 of 1,613,158 alleles (0.00025%); highest among the groups gnomAD compares: African/African-American, 0.0013%; no homozygotes.

Submission:

Labcorp Genetics (formerly Invitae), Labcorp
Classification: Uncertain significance. Last evaluated: 2023-11-24. Review status: criteria provided, single submitter. Criteria: Invitae Variant Classification Sherloc (09022015). Collection method: clinical testing. Allele origin: germline.
Comment: This sequence change replaces glycine, which is neutral and non-polar, with serine, which is neutral and polar, at codon 161 of the RAI1 protein (p.Gly161Ser). This variant is present in population databases (rs150247802, gnomAD 0.0009%). This variant has not been reported in the literature in individuals affected with RAI1-related conditions. ClinVar contains an entry for this variant (Variation ID: 1721132). Advanced modeling of protein sequence and biophysical properties (such as structural, functional, and spatial information, amino acid conservation, physicochemical variation, residue mobility, and thermodynamic stability) performed at Invitae indicates that this missense variant is not expected to disrupt RAI1 protein function with a negative predictive value of 80%. In summary, the available evidence is currently insufficient to determine the role of this variant in disease. Therefore, it has been classified as a Variant of Uncertain Significance.